The following is an entry in ClinVar:

ClinVar aggregate classification (germline): Uncertain significance (1 of 4 stars; one submission).

Conditions:
Hereditary cancer-predisposing syndrome. Also called: Neoplastic Syndromes, Hereditary; Tumor predisposition; Hereditary Cancer Syndrome; Hereditary neoplastic syndrome. Identifiers: Orphanet 140162, MedGen C0027672, MeSH D009386, MONDO:0015356.

Submission:

Ambry Genetics
Classification: Uncertain significance for Hereditary cancer-predisposing syndrome. Last evaluated: 2026-04-11. Review status: criteria provided, single submitter. Criteria: Ambry Variant Classification Scheme 2023. Collection method: clinical testing. Allele origin: germline.
Comment: The p.N517T variant (also known as c.1550A>C), located in coding exon 9 of the BRCA2 gene, results from an A to C substitution at nucleotide position 1550. The asparagine at codon 517 is replaced by threonine, an amino acid with similar properties. This amino acid position is conserved. In addition, this alteration is predicted to be tolerated by in silico analysis. Based on the available evidence, the clinical significance of this variant remains unclear.

NM_000059.4(BRCA2):c.1550A>C (p.Asn517Thr)

Gene: BRCA2 (BRCA2 DNA repair associated; plus strand). Cytogenetic location: 13q13.1.
Variant type: single nucleotide variant.
Coding change: c.1550A>C on transcript NM_000059.4 (MANE Select); coding-DNA position 1550, A replaced by C.
Protein change: p.Asn517Thr; replaces asparagine 517 with threonine.
Molecular consequence: missense variant. On other transcripts: non-coding transcript variant (1), intron variant (1).
Genome position (GRCh38, 1-based): chr13:32,333,028, A>C. VCF-style: chr13-32333028-A-C. GRCh37 (hg19) VCF-style: chr13-32907165-A-C.
Other names: c.1550A>C, p.Asn517Thr (NM_001406719.1, NM_001406720.1, NM_001406721.1 and 1 more transcripts); c.424+1998A>C (NM_001406722.1); short protein forms N517T.
Identifiers: ClinVar variation 4867821 (VCV004867821.1).